The following is an entry in ClinVar:

ClinVar aggregate classification (germline): Likely benign. Review status: criteria provided, multiple submitters, no conflicts (2 of 4 stars). 2 submissions from 2 submitters: Likely benign (2). Last evaluated 2026-01-18.

Conditions:
Malignant hyperthermia, susceptibility to, 1 (MHS1). Also called: RYR1-Related Malignant Hyperthermia Susceptibility; Anesthesia related hyperthermia; Malignant hyperpyrexia; Fulminating hyperpyrexia; Pharmacogenic myopathy; Malignant hyperthermia suceptibility 1. Identifiers: Orphanet 423, MedGen C2930980, MONDO:0007783, OMIM 145600.
RYR1-related disorder. Also called: RYR1-related condition; RYR1-related disorders. Identifiers: MedGen CN239331.

Allele frequency attached by ClinVar (database versions not stated): gnomAD exomes below 0.00001; gnomAD 0.00001 and 0.00002; TOPMed 0.00002.
gnomAD v4.1: 6 of 1,614,034 alleles (0.00037%); highest among the groups gnomAD compares: African/African-American, 0.0053%; no homozygotes.

Submissions (2):

Labcorp Genetics (formerly Invitae), Labcorp
Classification: Likely benign for RYR1-related disorder. Last evaluated: 2026-01-18. Review status: criteria provided, single submitter. Criteria: Invitae Variant Classification Sherloc (09022015). Collection method: clinical testing. Allele origin: germline.

All of Us Research Program, National Institutes of Health
Classification: Likely benign for Malignant hyperthermia, susceptibility to, 1. Last evaluated: 2024-02-22. Review status: criteria provided, single submitter. Criteria: ACMG Guidelines, 2015. Collection method: clinical testing. Allele origin: germline. Inheritance: Autosomal dominant inheritance. Observed: 1 variant allele, 1 heterozygote.
Comment: This study involves interpretation of variants in research participants for the purpose of population health screening. Participant phenotype was not available at the time of variant classification. Additional details can be found in publication PMID: 35346344, PMCID: PMC8962531

NM_000540.3(RYR1):c.7305C>T (p.Arg2435=)

Gene: RYR1 (ryanodine receptor 1; plus strand). Cytogenetic location: 19q13.2.
Variant type: single nucleotide variant.
Coding change: c.7305C>T on transcript NM_000540.3 (MANE Select); coding-DNA position 7305, C replaced by T.
Protein change: p.Arg2435=; no amino-acid change (arginine 2435 retained).
Molecular consequence: synonymous variant.
Genome position (GRCh38, 1-based): chr19:38,499,998, C>T. VCF-style: chr19-38499998-C-T. GRCh37 (hg19) VCF-style: chr19-38990638-C-T.
Other names: c.7305C>T, p.Arg2435= (NM_001042723.2).
Identifiers: ClinVar variation 1576588 (VCV001576588.9), dbSNP rs1970033831, ClinGen allele CA507353794.